The following is an entry in ClinVar:

ClinVar aggregate classification (germline): Uncertain significance. Review status: criteria provided, multiple submitters, no conflicts (2 of 4 stars). 2 submissions from 2 submitters: Uncertain significance (2). Last evaluated 2025-05-29.

Conditions:
Inborn genetic diseases. Identifiers: MedGen C0950123, MeSH D030342.

Allele frequency attached by ClinVar (database versions not stated): gnomAD 0.00001; gnomAD exomes 0.00001 and 0.00002; TOPMed 0.00001.
gnomAD v4.1: 24 of 1,596,798 alleles (0.0015%); highest among the groups gnomAD compares: Non-Finnish European, 0.002%; no homozygotes.

Submissions (2):

Ambry Genetics
Classification: Uncertain significance for Inborn genetic diseases. Last evaluated: 2025-05-29. Review status: criteria provided, single submitter. Criteria: Ambry Variant Classification Scheme 2023. Collection method: clinical testing. Allele origin: germline.

Labcorp Genetics (formerly Invitae), Labcorp
Classification: Uncertain significance. Last evaluated: 2024-02-17. Review status: criteria provided, single submitter. Criteria: Invitae Variant Classification Sherloc (09022015). Collection method: clinical testing. Allele origin: germline.
Comment: This sequence change replaces aspartic acid, which is acidic and polar, with valine, which is neutral and non-polar, at codon 640 of the TRAF3IP1 protein (p.Asp640Val). This variant is present in population databases (no rsID available, gnomAD 0.003%). This variant has not been reported in the literature in individuals affected with TRAF3IP1-related conditions. ClinVar contains an entry for this variant (Variation ID: 1053343). Advanced modeling of protein sequence and biophysical properties (such as structural, functional, and spatial information, amino acid conservation, physicochemical variation, residue mobility, and thermodynamic stability) performed at Invitae indicates that this missense variant is expected to disrupt TRAF3IP1 protein function with a positive predictive value of 80%. In summary, the available evidence is currently insufficient to determine the role of this variant in disease. Therefore, it has been classified as a Variant of Uncertain Significance.

NM_015650.4(TRAF3IP1):c.1919A>T (p.Asp640Val)

Gene: TRAF3IP1 (TRAF3 interacting protein 1; plus strand). Cytogenetic location: 2q37.3.
Variant type: single nucleotide variant.
Coding change: c.1919A>T on transcript NM_015650.4 (MANE Select); coding-DNA position 1919, A replaced by T.
Protein change: p.Asp640Val; replaces aspartic acid 640 with valine.
Molecular consequence: missense variant.
Genome position (GRCh38, 1-based): chr2:238,398,762, A>T. VCF-style: chr2-238398762-A-T. GRCh37 (hg19) VCF-style: chr2-239307403-A-T.
Other names: c.1919A>T (NM_015650.3); c.1721A>T, p.Asp574Val (NM_001139490.1); short protein forms D574V, D640V.
Identifiers: ClinVar variation 1053343 (VCV001053343.10), dbSNP rs1465840913, ClinGen allele CA351246910.